The following is an entry in ClinVar:

NM_006734.4(HIVEP2):c.7000G>C (p.Ala2334Pro)

Gene: HIVEP2 (HIVEP zinc finger 2; minus strand). Cytogenetic location: 6q24.2.
Variant type: single nucleotide variant.
Coding change: c.7000G>C on transcript NM_006734.4 (MANE Select); coding-DNA position 7000, G replaced by C.
Protein change: p.Ala2334Pro; replaces alanine 2334 with proline.
Molecular consequence: missense variant.
Genome position (GRCh38, 1-based): chr6:142,753,448, C>G on the plus strand (G>C on the coding strand, the complement: HIVEP2 is on the minus strand). VCF-style: chr6-142753448-C-G. GRCh37 (hg19) VCF-style: chr6-143074585-C-G.
Other names: short protein forms A2334P.
Identifiers: ClinVar variation 2109882 (VCV002109882.4), dbSNP rs2482731891, ClinGen allele CA365941270.

ClinVar aggregate classification (germline): Uncertain significance (1 of 4 stars; one submission).

Submission:

Labcorp Genetics (formerly Invitae), Labcorp
Classification: Uncertain significance. Last evaluated: 2024-12-16. Review status: criteria provided, single submitter. Criteria: Invitae Variant Classification Sherloc (09022015). Collection method: clinical testing. Allele origin: germline.
Comment: This sequence change replaces alanine, which is neutral and non-polar, with proline, which is neutral and non-polar, at codon 2334 of the HIVEP2 protein (p.Ala2334Pro). This variant is not present in population databases (gnomAD no frequency). This variant has not been reported in the literature in individuals affected with HIVEP2-related conditions. ClinVar contains an entry for this variant (Variation ID: 2109882). An algorithm developed to predict the effect of missense changes on protein structure and function (PolyPhen-2) suggests that this variant is likely to be disruptive. In summary, the available evidence is currently insufficient to determine the role of this variant in disease. Therefore, it has been classified as a Variant of Uncertain Significance.